The following is an entry in ClinVar:

ClinVar aggregate classification (germline): Likely pathogenic (1 of 4 stars; one submission).

Conditions:
Spondylocostal dysostosis 2, autosomal recessive (SCDO2). Also called: MESP2-Related Spondylocostal Dysostosis, Autosomal Recessive; Spondylocostal dysostosis type 2. Identifiers: Orphanet 2311, MedGen C1837549, MONDO:0012097, OMIM 608681.

Submission:

Natera, Inc.
Classification: Likely pathogenic for Spondylocostal dysostosis type 2. Last evaluated: 2025-11-05. Review status: criteria provided, single submitter. Criteria: Natera Variant Classification Schema (03/2026). Collection method: clinical testing. Allele origin: germline.
Comment: The c.255_262dup variant in MESP2 is a frameshift variant predicted to shift the reading frame beginning at codon 88 and leads to a stop codon 35 codons downstream. This variant is expected to result in nonsense mediated decay, truncation, or a dysfunctional protein product. This variant is rare in the general population with a frequency below the threshold expected for the associated phenotype(s). Given the available evidence, this variant is classified as Likely Pathogenic.

NM_001039958.2(MESP2):c.255_262dup (p.Glu88fs)

Genes: MESP2 (mesoderm posterior bHLH transcription factor 2; plus strand), LOC130057891 (ATAC-STARR-seq lymphoblastoid silent region 6806; plus strand). Cytogenetic location: 15q26.1.
Variant type: Duplication.
Coding change: c.255_262dup on transcript NM_001039958.2 (MANE Select); coding-DNA positions 255 to 262, 8 bases duplicated (CGCCAGCG; older notation c.255_262dupCGCCAGCG).
Protein change: p.Glu88fs; shifts the reading frame from glutamic acid 88.
Molecular consequence: frameshift variant.
Genome position (GRCh38, 1-based): chr15:89,776,612-89,776,619, CGCCAGCG duplicated; duplicating any 8 consecutive bases within chr15:89,776,611-89,776,619 gives the same sequence; the c. name uses the placement nearest the transcript's 3' end. VCF-style (leftmost placement, unchanged base first): chr15-89776610-A-AGCGCCAGC. GRCh37 (hg19) VCF-style: chr15-90319841-A-AGCGCCAGC.
Other names: short protein forms E88fs.
Identifiers: ClinVar variation 4814563 (VCV004814563.1).